The following is an entry in ClinVar:

NM_004260.4(RECQL4):c.1009G>T (p.Ala337Ser)

Gene: RECQL4 (RecQ like helicase 4; minus strand). Cytogenetic location: 8q24.3.
Variant type: single nucleotide variant.
Coding change: c.1009G>T on transcript NM_004260.4 (MANE Select); coding-DNA position 1009, G replaced by T.
Protein change: p.Ala337Ser; replaces alanine 337 with serine.
Molecular consequence: missense variant.
Genome position (GRCh38, 1-based): chr8:144,516,110, C>A on the plus strand (G>T on the coding strand, the complement: RECQL4 is on the minus strand). VCF-style: chr8-144516110-C-A. GRCh37 (hg19) VCF-style: chr8-145741494-C-A.
Other names: short protein forms A337S.
Identifiers: ClinVar variation 1022695 (VCV001022695.3), dbSNP rs1171953080, ClinGen allele CA372688337.

ClinVar aggregate classification (germline): Uncertain significance (1 of 4 stars; one submission).

Conditions:
Baller-Gerold syndrome (BGS). Also called: CRANIOSYNOSTOSIS WITH RADIAL DEFECTS. Identifiers: Orphanet 1225, MedGen C0265308, MONDO:0009039, OMIM 218600.

Submission:

Labcorp Genetics (formerly Invitae), Labcorp
Classification: Uncertain significance for Baller-Gerold syndrome. Last evaluated: 2020-05-20. Review status: criteria provided, single submitter. Criteria: Invitae Variant Classification Sherloc (09022015). Collection method: clinical testing. Allele origin: germline.
Comment: This variant has not been reported in the literature in individuals with RECQL4-related conditions. Experimental studies and prediction algorithms are not available or were not evaluated, and the functional significance of this variant is currently unknown. In summary, the available evidence is currently insufficient to determine the role of this variant in disease. Therefore, it has been classified as a Variant of Uncertain Significance. This variant is not present in population databases (ExAC no frequency). This sequence change replaces alanine with serine at codon 337 of the RECQL4 protein (p.Ala337Ser). The alanine residue is moderately conserved and there is a moderate physicochemical difference between alanine and serine.